The following is an entry in ClinVar:

NM_144997.7(FLCN):c.470TCA[1] (p.Ile158del)

Gene: FLCN (folliculin; minus strand). Cytogenetic location: 17p11.2.
Variant type: Microsatellite.
Coding change: c.470TCA[1] on transcript NM_144997.7 (MANE Select); one copy of the 3-base unit TCA starting at c.470; the reference has two copies in a row; one copy, 3 bases deleted; also written c.473_475del.
Protein change: p.Ile158del; deletes isoleucine 158.
Molecular consequence: inframe deletion. On other transcripts: inframe indel (2).
Genome position (GRCh38, 1-based): chr17:17,224,065-17,224,067, TGA deleted on the plus strand (TCA on the coding strand, the reverse complement: FLCN is on the minus strand); deleting any 3 consecutive bases within chr17:17,224,065-17,224,070 gives the same sequence; the position shown is the placement nearest the transcript's 3' end. VCF-style (leftmost placement, unchanged base first): chr17-17224064-TTGA-T. GRCh37 (hg19) VCF-style: chr17-17127378-TTGA-T.
Other names: c.524TCA[1], p.Ile176del (NM_001353229.2); c.470TCA[1], p.Ile158del (NM_001353230.2, NM_001353231.2, NM_144606.7); c.470_472TCA[1], p.Ile158del (NM_144997.5); c.473_475del (NM_144997.5); short protein forms I158del, I176del.
Identifiers: ClinVar variation 2446353 (VCV002446353.2), dbSNP rs2544255967, ClinGen allele CA2580614022.

ClinVar aggregate classification (germline): Conflicting classifications of pathogenicity. Review status: criteria provided, conflicting classifications (1 of 4 stars). 2 submissions from 2 submitters: Likely pathogenic (1); Uncertain significance (1). Last evaluated 2022-10-03.

Submissions (2):

GeneDx
Classification: Likely pathogenic. Last evaluated: 2022-10-03. Review status: criteria provided, single submitter. Criteria: GeneDx Variant Classification Process June 2021. Collection method: clinical testing. Allele origin: germline. Affected: yes.
Comment: Not observed at significant frequency in large population cohorts (gnomAD); In-frame deletion of 1 amino acid in a non-repeat region; In silico analysis supports a deleterious effect on protein structure/function; Has not been previously published as pathogenic or benign to our knowledge

Blueprint Genetics
Classification: Uncertain significance. Last evaluated: 2022-03-31. Review status: criteria provided, single submitter. Criteria: ACMG Guidelines, 2015. Collection method: clinical testing. Allele origin: germline.